The following is an entry in ClinVar:

ClinVar aggregate classification (germline): Likely benign (1 of 4 stars; one submission).

Conditions:
SH2B1-related disorder. Also called: SH2B1-related condition.

gnomAD v4.1: 1 of 1,517,116 alleles (0.000066%); highest among the groups gnomAD compares: Non-Finnish European, 0.000089%; no homozygotes.

Submission:

PreventionGenetics, part of Exact Sciences
Classification: Likely benign for SH2B1-related condition. Last evaluated: 2026-05-27. Review status: criteria provided, single submitter. Criteria: ACMG Guidelines, 2015. Collection method: clinical testing. Allele origin: germline.
Comment: This variant is classified as likely benign based on ACMG/AMP sequence variant interpretation guidelines (Richards et al. 2015 PMID: 25741868, with internal and published modifications).

NM_001387430.1(SH2B1):c.2142C>T (p.Ala714=)

Gene: SH2B1 (SH2B adaptor protein 1; plus strand). Cytogenetic location: 16p11.2.
Variant type: single nucleotide variant.
Coding change: c.2142C>T on transcript NM_001387430.1 (MANE Select); coding-DNA position 2142, C replaced by T.
Protein change: p.Ala714=; no amino-acid change (alanine 714 retained).
Molecular consequence: synonymous variant. On other transcripts: 3 prime UTR variant (5).
Genome position (GRCh38, 1-based): chr16:28,873,691, C>T. VCF-style: chr16-28873691-C-T. GRCh37 (hg19) VCF-style: chr16-28885012-C-T.
Other names: c.2142C>T, p.Ala714= (NM_001145795.2, NM_001308293.2, NM_001387404.1); c.*226C>T (NM_001145796.2, NM_001145812.2, NM_001308294.2 and 1 more transcripts); c.*243C>T (NM_001145797.2).
Identifiers: ClinVar variation 4990817 (VCV004990817.1).